The following is an entry in ClinVar:

ClinVar aggregate classification (germline): Conflicting classifications of pathogenicity. Review status: criteria provided, conflicting classifications (1 of 4 stars). 8 submissions from 8 submitters: Uncertain significance (7); Likely benign (1). Last evaluated 2025-08-13.

Conditions:
Lynch syndrome. Identifiers: Orphanet 144, MedGen C4552100, MONDO:0005835. Disease mechanism: loss of function.
Hereditary nonpolyposis colorectal neoplasms. Identifiers: MedGen C0009405, MeSH D003123.
Mismatch repair cancer syndrome 3. Identifiers: MedGen C5436807, MONDO:0030841, OMIM 619097.
Endometrial carcinoma. Also called: Endometrial carcinoma, somatic. Identifiers: MedGen C0476089, MONDO:0002447, OMIM 608089, HP:0012114.
Lynch syndrome 5 (LYNCH5). Also called: Hereditary non-polyposis colorectal cancer, type 5; Colorectal cancer, hereditary nonpolyposis, type 5. Identifiers: Orphanet 144, MedGen C1833477, MONDO:0013710, OMIM 614350. Disease mechanism: loss of function.
Hereditary cancer-predisposing syndrome. Also called: Hereditary neoplastic syndrome; Tumor predisposition; Neoplastic Syndromes, Hereditary; Hereditary Cancer Syndrome. Identifiers: Orphanet 140162, MedGen C0027672, MeSH D009386, MONDO:0015356.

Submissions (8):

Color Diagnostics, LLC DBA Color Health
Classification: Uncertain significance for Hereditary cancer-predisposing syndrome. Last evaluated: 2025-08-13. Review status: criteria provided, single submitter. Criteria: ACMG Guidelines, 2015. Collection method: clinical testing. Allele origin: germline.
Comment: This variant causes the duplication of six nucleotides in exon 1 of the MSH6 gene, resulting in an in-frame insertion of two amino acids in the MSH6 protein. To our knowledge, functional studies have not been reported for this variant. This variant has not been reported in individuals affected with MSH6-related disorders in the literature. This variant has been identified in 1/183106 chromosomes in the general population by the Genome Aggregation Database (gnomAD). The available evidence is insufficient to determine the role of this variant in disease conclusively. Therefore, this variant is classified as a Variant of Uncertain Significance.

Labcorp Genetics (formerly Invitae), Labcorp
Classification: Uncertain significance for Hereditary nonpolyposis colorectal neoplasms. Last evaluated: 2025-04-17. Review status: criteria provided, single submitter. Criteria: Invitae Variant Classification Sherloc (09022015). Collection method: clinical testing. Allele origin: germline.
Comment: This variant, c.165_170dup, results in the insertion of 2 amino acid(s) of the MSH6 protein (p.Gly56_Pro57dup), but otherwise preserves the integrity of the reading frame. This variant is present in population databases (rs767894453, gnomAD 0.01%). This variant has not been reported in the literature in individuals affected with MSH6-related conditions. ClinVar contains an entry for this variant (Variation ID: 418318). Experimental studies and prediction algorithms are not available or were not evaluated, and the functional significance of this variant is currently unknown. In summary, the available evidence is currently insufficient to determine the role of this variant in disease. Therefore, it has been classified as a Variant of Uncertain Significance.

Myriad Genetics, Inc.
Classification: Likely benign for Lynch syndrome 5. Last evaluated: 2024-12-17. Review status: criteria provided, single submitter. Criteria: Myriad Autosomal Dominant, Autosomal Recessive and X-Linked Classification Criteria (2023). Collection method: clinical testing. Allele origin: unknown.
Comment: This variant is considered likely benign. Homozygosity for this variant has been confirmed in one or more individuals lacking clinical features consistent with gene-specific recessive disease, indicating that this variant is unlikely to be pathogenic.

Ambry Genetics
Classification: Uncertain significance for Hereditary cancer-predisposing syndrome. Last evaluated: 2024-09-09. Review status: criteria provided, single submitter. Criteria: Ambry Variant Classification Scheme 2023. Collection method: clinical testing. Allele origin: germline.
Comment: The c.165_170dupTGGGCC variant (also known as p.G56_P57dup), located in coding exon 1 of the MSH6 gene, results from an in-frame duplication of TGGGCC at nucleotide positions 165 to 170. This results in the duplication of 2 extra residues (GP) between codons 56 and 57. These amino acid positions are not well conserved in available vertebrate species. In addition, this alteration is predicted to be neutral by in silico analysis (Choi Y et al. PLoS ONE. 2012; 7(10):e46688). Since supporting evidence is limited at this time, the clinical significance of this alteration remains unclear.

Fulgent Genetics
Classification: Uncertain significance for Endometrial carcinoma; Lynch syndrome 5; Mismatch repair cancer syndrome 3. Last evaluated: 2024-02-17. Review status: criteria provided, single submitter. Criteria: ACMG Guidelines, 2015. Collection method: clinical testing. Allele origin: germline.

All of Us Research Program, National Institutes of Health
Classification: Uncertain significance for Lynch syndrome. Last evaluated: 2023-10-02. Review status: criteria provided, single submitter. Criteria: ACMG Guidelines, 2015. Collection method: clinical testing. Allele origin: germline. Inheritance: Autosomal dominant inheritance. Observed: 3 variant alleles, 3 heterozygotes.
Comment: This variant causes the duplication of six nucleotides in exon 1 of the MSH6 gene, resulting in an in-frame insertion of two amino acids in the MSH6 protein. To our knowledge, functional studies have not been reported for this variant. This variant has not been reported in individuals affected with MSH6-related disorders in the literature. This variant has been identified in 1/183106 chromosomes in the general population by the Genome Aggregation Database (gnomAD). The available evidence is insufficient to determine the role of this variant in disease conclusively. Therefore, this variant is classified as a Variant of Uncertain Significance.

This study involves interpretation of variants in research participants for the purpose of population health screening. Participant phenotype was not available at the time of variant classification. Additional details can be found in publication PMID: 35346344, PMCID: PMC8962531

Quest Diagnostics Nichols Institute San Juan Capistrano
Classification: Uncertain significance. Last evaluated: 2022-09-29. Review status: criteria provided, single submitter. Criteria: Quest Diagnostics criteria. Collection method: clinical testing. Allele origin: unknown.
Comment: The variant has not been reported in the published literature. The frequency of this variant in the general population, 0.0000055 (1/183106 chromosomes), is uninformative in assessment of its pathogenicity. Based on the available information, we are unable to determine the clinical significance of this variant.

GeneDx
Classification: Uncertain significance. Last evaluated: 2017-02-13. Review status: criteria provided, single submitter. Criteria: GeneDx Variant Classification (06012015). Collection method: clinical testing. Allele origin: germline. Affected: yes.
Comment: This in-frame duplication of six nucleotides in MSH6 is denoted c.165_170dupTGGGCC at the cDNA level and p.Gly56_Pro57dup (G56_P57dup) at the protein level. The normal sequence, with the bases that are duplicated in brackets, is GGCC[dupTGGGCC]CAGG. This duplication occurs in a region that is not conserved and is not located in a known functional domain (Kariola 2002, Kansikas 2010). This variant has not, to our knowledge, been published in the literature as pathogenic or benign. Since in-frame duplications may or may not inhibit proper protein functioning, the clinical significance of this finding remains unclear at this time and we consider MSH6 Gly56_Pro57dup to be a variant of uncertain significance.

NM_000179.3(MSH6):c.159TGGGCC[3] (p.54GP[3])

Gene: MSH6 (mutS homolog 6; plus strand). Cytogenetic location: 2p16.3.
Variant type: Microsatellite.
Coding change: c.159TGGGCC[3] on transcript NM_000179.3 (MANE Select); three copies in a row of the 6-base unit TGGGCC starting at c.159; the reference has two copies in a row; one copy, 6 bases duplicated; also written c.165_170dup.
Protein change: p.54GP[3].
Molecular consequence: inframe insertion. On other transcripts: 5 prime UTR variant (1).
Genome position (GRCh38, 1-based): chr2:47,783,398-47,783,403, TGGGCC duplicated; duplicating any 6 consecutive bases within chr2:47,783,391-47,783,403 gives the same sequence; the position shown is the placement nearest the transcript's 3' end. VCF-style (leftmost placement, unchanged base first): chr2-47783390-G-GCTGGGC. GRCh37 (hg19) VCF-style: chr2-48010529-G-GCTGGGC.
Other names: c.159TGGGCC[3], p.54GP[3] (NM_001281492.2); c.-578TGGGCC[3] (NM_001281493.2); c.165_170dupTGGGCC (NM_000179.2); c.165_170dup (NM_000179.3).
Identifiers: ClinVar variation 418318 (VCV000418318.23), dbSNP rs767894453, ClinGen allele CA067844.